The following is an entry in ClinVar:

ClinVar aggregate classification (germline): Uncertain significance. Review status: criteria provided, multiple submitters, no conflicts (2 of 4 stars). 2 submissions from 2 submitters: Uncertain significance (2). Last evaluated 2025-09-11.

Allele frequency attached by ClinVar (database versions not stated): gnomAD 0.00003; TOPMed 0.00001.
gnomAD v4.1: 27 of 1,556,762 alleles (0.0017%); highest among the groups gnomAD compares: East Asian, 0.012%; no homozygotes.

Submissions (2):

Ambry Genetics
Classification: Uncertain significance. Last evaluated: 2025-09-11. Review status: criteria provided, single submitter. Criteria: Ambry Variant Classification Scheme 2023. Collection method: clinical testing. Allele origin: germline.

Mayo Clinic Laboratories, Mayo Clinic
Classification: Uncertain significance. Last evaluated: 2025-08-07. Review status: criteria provided, single submitter. Criteria: ACMG Guidelines, 2015. Collection method: clinical testing. Allele origin: germline. Observed: 1 variant allele.
Comment: BP4

NM_012268.4(PLD3):c.410A>G (p.Gln137Arg)

Gene: PLD3 (phospholipase D family member 3; plus strand). Cytogenetic location: 19q13.2.
Variant type: single nucleotide variant.
Coding change: c.410A>G on transcript NM_012268.4 (MANE Select); coding-DNA position 410, A replaced by G.
Protein change: p.Gln137Arg; replaces glutamine 137 with arginine.
Molecular consequence: missense variant.
Genome position (GRCh38, 1-based): chr19:40,367,860, A>G. VCF-style: chr19-40367860-A-G. GRCh37 (hg19) VCF-style: chr19-40873767-A-G.
Other names: p.Gln137Arg; c.410A>G, p.Gln137Arg (NM_001031696.4, NM_001291311.2); short protein forms Q137R.
Identifiers: ClinVar variation 2511405 (VCV002511405.4), dbSNP rs922440021, ClinGen allele CA308386789.